The following is an entry in ClinVar:

NM_000093.5(COL5A1):c.4652C>G (p.Thr1551Ser)

Genes: COL5A1 (collagen type V alpha 1 chain; plus strand), LOC101448202 (uncharacterized LOC101448202; minus strand). Cytogenetic location: 9q34.3.
Variant type: single nucleotide variant.
Coding change: c.4652C>G on transcript NM_000093.5 (MANE Select); coding-DNA position 4652, C replaced by G.
Protein change: p.Thr1551Ser; replaces threonine 1551 with serine.
Molecular consequence: missense variant.
Genome position (GRCh38, 1-based): chr9:134,823,423, C>G. VCF-style: chr9-134823423-C-G. GRCh37 (hg19) VCF-style: chr9-137715269-C-G.
Other names: c.4652C>G, p.Thr1551Ser (NM_001278074.1); short protein forms T1551S.
Identifiers: ClinVar variation 999533 (VCV000999533.10), dbSNP rs863223460, ClinGen allele CA375458169.

ClinVar aggregate classification (germline): Uncertain significance (1 of 4 stars; one submission).

Conditions:
Ehlers-Danlos syndrome, classic type, 1 (EDSCL1). Also called: EHLERS-DANLOS SYNDROME, GRAVIS TYPE; EHLERS-DANLOS SYNDROME, SEVERE CLASSIC TYPE; EDS I; Ehlers-Danlos Syndrome, Classic Type, COL5A1-Related; Ehlers-Danlos syndrome, type 1. Identifiers: MedGen C0268335, MONDO:0019567, OMIM 130000.

Submission:

Labcorp Genetics (formerly Invitae), Labcorp
Classification: Uncertain significance for Ehlers-Danlos syndrome, classic type, 1. Last evaluated: 2020-03-17. Review status: criteria provided, single submitter. Criteria: Invitae Variant Classification Sherloc (09022015). Collection method: clinical testing. Allele origin: germline.
Comment: This variant is not present in population databases (ExAC no frequency). In summary, the available evidence is currently insufficient to determine the role of this variant in disease. Therefore, it has been classified as a Variant of Uncertain Significance. Algorithms developed to predict the effect of missense changes on protein structure and function are either unavailable or do not agree on the potential impact of this missense change (SIFT: "Deleterious"; PolyPhen-2: "Not Available"; Align-GVGD: "Class C0"). This variant has not been reported in the literature in individuals with COL5A1-related conditions. This sequence change replaces threonine with serine at codon 1551 of the COL5A1 protein (p.Thr1551Ser). The threonine residue is highly conserved and there is a small physicochemical difference between threonine and serine.